The following is an entry in ClinVar:

NM_001022.4(RPS19):c.140C>T (p.Pro47Leu)

Genes: RPS19-CD79A (RPS19-CD79A readthrough; plus strand), RPS19 (ribosomal protein S19; plus strand). Cytogenetic location: 19q13.2.
Variant type: single nucleotide variant.
Coding change: c.140C>T on transcript NM_001022.4 (MANE Select); coding-DNA position 140, C replaced by T.
Protein change: p.Pro47Leu; replaces proline 47 with leucine.
Molecular consequence: missense variant.
Genome position (GRCh38, 1-based): chr19:41,861,180, C>T. VCF-style: chr19-41861180-C-T. GRCh37 (hg19) VCF-style: chr19-42365249-C-T.
Other names: c.140C>T, p.Pro47Leu (NM_001321483.2, NM_001321484.2, NM_001321485.2); short protein forms P47L.
Identifiers: ClinVar variation 1771987 (VCV001771987.2), dbSNP rs2513667328, ClinGen allele CA406047070.

ClinVar aggregate classification (germline): Likely pathogenic (1 of 4 stars; one submission).

Conditions:
Diamond-Blackfan anemia. Also called: Blackfan Diamond syndrome; Aregenerative anemia chronic congenital; Red cell aplasia, pure hereditary; Congenital hypoplastic anemia; Aase syndrome. Identifiers: Orphanet 124, MedGen C1260899, MeSH D029503, MONDO:0015253, HP:0004810.

Submission:

Ambry Genetics
Classification: Likely pathogenic for Diamond-Blackfan anemia. Last evaluated: 2016-01-11. Review status: criteria provided, single submitter. Criteria: Ambry Variant Classification Scheme 2023. Collection method: clinical testing. Allele origin: germline.
Comment: The p.P47L variant (also known as c.140C>T), located in coding exon 2 of the RPS19 gene, results from a C to T substitution at nucleotide position 140. The proline at codon 47 is replaced by leucine, an amino acid with some similar properties. An in vitro functional study found this alteration resulted in protein that failed to associate with the ribosome (Angelini M et al. Hum Mol Genet. 2007;16(14):1720-7). This variant was not reported in population based cohorts in the following databases: Database of Single Nucleotide Polymorphisms (dbSNP), NHLBI Exome Sequencing Project (ESP), and 1000 Genomes Project. In the ESP, this variant was not observed in 6503 samples (13006 alleles) with coverage at this position. This amino acid position is highly conserved in available vertebrate species; however, leucine is the reference amino acid in hedgehog. In addition, this alteration is predicted to be deleterious by in silico analysis. Based on the majority of available evidence to date, this variant is likely to be pathogenic.

Literature cited by the submitters: PubMed 11112378; PubMed 17376718; PubMed 17517689; PubMed 18217898.